The following is an entry in ClinVar:

ClinVar aggregate classification (germline): Uncertain significance (1 of 4 stars; one submission).

Conditions:
Neuroblastoma, susceptibility to, 3. Also called: ALK-Related Neuroblastic Tumor Susceptibility. Identifiers: Orphanet 635, MedGen C2751681, MONDO:0013083, OMIM 613014.

Submission:

Labcorp Genetics (formerly Invitae), Labcorp
Classification: Uncertain significance for Neuroblastoma, susceptibility to, 3. Last evaluated: 2024-03-27. Review status: criteria provided, single submitter. Criteria: Invitae Variant Classification Sherloc (09022015). Collection method: clinical testing. Allele origin: germline.
Comment: This sequence change replaces isoleucine, which is neutral and non-polar, with leucine, which is neutral and non-polar, at codon 1461 of the ALK protein (p.Ile1461Leu). This variant is not present in population databases (gnomAD no frequency). This variant has not been reported in the literature in individuals affected with ALK-related conditions. Algorithms developed to predict the effect of missense changes on protein structure and function output the following: SIFT: "Not Available"; PolyPhen-2: "Benign"; Align-GVGD: "Not Available". The leucine amino acid residue is found in multiple mammalian species, which suggests that this missense change does not adversely affect protein function. In summary, the available evidence is currently insufficient to determine the role of this variant in disease. Therefore, it has been classified as a Variant of Uncertain Significance.

NM_004304.5(ALK):c.4381A>C (p.Ile1461Leu)

Gene: ALK (ALK receptor tyrosine kinase; minus strand). Cytogenetic location: 2p23.2.
Variant type: single nucleotide variant.
Coding change: c.4381A>C on transcript NM_004304.5 (MANE Select); coding-DNA position 4381, A replaced by C.
Protein change: p.Ile1461Leu; replaces isoleucine 1461 with leucine.
Molecular consequence: missense variant.
Genome position (GRCh38, 1-based): chr2:29,193,706, T>G on the plus strand (A>C on the coding strand, the complement: ALK is on the minus strand). VCF-style: chr2-29193706-T-G. GRCh37 (hg19) VCF-style: chr2-29416572-T-G.
Other names: c.1177A>C, p.Ile393Leu (NM_001353765.2); short protein forms I1461L, I393L.
Identifiers: ClinVar variation 3621867 (VCV003621867.2).